The following is an entry in ClinVar:

ClinVar aggregate classification (germline): Uncertain significance (1 of 4 stars; one submission).

Conditions:
Inborn genetic diseases. Identifiers: MedGen C0950123, MeSH D030342.

Submission:

Ambry Genetics
Classification: Uncertain significance for Inborn genetic diseases. Last evaluated: 2025-06-28. Review status: criteria provided, single submitter. Criteria: Ambry Variant Classification Scheme 2023. Collection method: clinical testing. Allele origin: germline.
Comment: The p.P632H variant (also known as c.1895C>A), located in coding exon 15 of the BUB1B gene, results from a C to A substitution at nucleotide position 1895. The proline at codon 632 is replaced by histidine, an amino acid with similar properties. This amino acid position is conserved. In addition, this alteration is predicted to be tolerated by in silico analysis. Based on the available evidence, the clinical significance of this variant remains unclear.

NM_001211.6(BUB1B):c.1895C>A (p.Pro632His)

Gene: BUB1B (BUB1 mitotic checkpoint serine/threonine kinase B; plus strand). Cytogenetic location: 15q15.1.
Variant type: single nucleotide variant.
Coding change: c.1895C>A on transcript NM_001211.6 (MANE Select); coding-DNA position 1895, C replaced by A.
Protein change: p.Pro632His; replaces proline 632 with histidine.
Molecular consequence: missense variant.
Genome position (GRCh38, 1-based): chr15:40,206,344, C>A. VCF-style: chr15-40206344-C-A. GRCh37 (hg19) VCF-style: chr15-40498545-C-A.
Other names: short protein forms P632H.
Identifiers: ClinVar variation 4216934 (VCV004216934.1).